The following is an entry in ClinVar:

ClinVar aggregate classification (germline): Likely benign. Review status: criteria provided, multiple submitters, no conflicts (2 of 4 stars). 4 submissions from 4 submitters: Likely benign (4). Last evaluated 2025-04-02.

Conditions:
Hereditary spastic paraplegia 30. Identifiers: Orphanet 101010, MedGen C5235139, MONDO:0012476.
Neuropathy, hereditary sensory, type 2C. Also called: Hereditary sensory and autonomic neuropathy type IIC; KIF1A-Related HSAN2 (HSAN2C). Identifiers: Orphanet 970, MedGen C3280168, MONDO:0013634, OMIM 614213.
Intellectual disability, autosomal dominant 9 (NESCAVS). Also called: KIF1A-Related Neurodevelopmental Disorder; NESCAV SYNDROME. Identifiers: Orphanet 662367, MedGen C5393830, MONDO:0013656, OMIM 614255.

Allele frequency attached by ClinVar (database versions not stated): gnomAD exomes 0.00001; TOPMed 0.00001; ExAC 0.00002; gnomAD 0.00003 and 0.00004.
gnomAD v4.1: 25 of 1,611,590 alleles (0.0016%); highest among the groups gnomAD compares: South Asian, 0.0055%; 1 homozygote.

Submissions (4):

Labcorp Genetics (formerly Invitae), Labcorp
Classification: Likely benign for Hereditary spastic paraplegia 30; Neuropathy, hereditary sensory, type 2C; Intellectual disability, autosomal dominant 9. Last evaluated: 2025-04-02. Review status: criteria provided, single submitter. Criteria: Invitae Variant Classification Sherloc (09022015). Collection method: clinical testing. Allele origin: germline.

Laboratory of Genetics, Children's Clinical University Hospital Latvia
Classification: Likely benign. Last evaluated: 2025-02-16. Review status: criteria provided, single submitter. Criteria: ACMG Guidelines, 2015. Collection method: clinical testing. Allele origin: germline. Affected: yes.

ARUP Laboratories, Molecular Genetics and Genomics, ARUP Laboratories
Classification: Likely benign. Last evaluated: 2019-04-05. Review status: criteria provided, single submitter. Criteria: ARUP Molecular Germline Variant Investigation Process. Collection method: clinical testing. Allele origin: germline.

GeneDx
Classification: Likely benign. Last evaluated: 2017-10-05. Review status: criteria provided, single submitter. Criteria: GeneDx Variant Classification (06012015). Collection method: clinical testing. Allele origin: germline. Affected: yes.
Comment: This variant is considered likely benign or benign based on one or more of the following criteria: it is a conservative change, it occurs at a poorly conserved position in the protein, it is predicted to be benign by multiple in silico algorithms, and/or has population frequency not consistent with disease.

NM_001244008.2(KIF1A):c.4744-4G>A

Gene: KIF1A (kinesin family member 1A; minus strand). Cytogenetic location: 2q37.3.
Variant type: single nucleotide variant.
Coding change: c.4744-4G>A on transcript NM_001244008.2 (MANE Select); 4 bases into the intron before coding-DNA position 4744, G replaced by A.
Molecular consequence: intron variant.
Genome position (GRCh38, 1-based): chr2:240,721,042, C>T on the plus strand (G>A on the coding strand, the complement: KIF1A is on the minus strand). VCF-style: chr2-240721042-C-T. GRCh37 (hg19) VCF-style: chr2-241660459-C-T.
Other names: c.4441-4G>A (NM_001379653.1, NM_001379650.1, NM_001379641.1 and 2 more transcripts); c.4717-4G>A (NM_001379645.1, NM_001379633.1); c.4567-4G>A (NM_001379635.1, NM_001379646.1); c.4438-4G>A (NM_001379640.1); c.4465-4G>A (NM_001379639.1); c.4468-4G>A (NM_001379649.1, NM_001320705.2); c.4555-4G>A (NM_001379636.1); c.4720-4G>A (NM_001379632.1); and 7 more.
Identifiers: ClinVar variation 439847 (VCV000439847.14), dbSNP rs771679601, ClinGen allele CA2207307.